The following is an entry in ClinVar:

NM_020987.5(ANK3):c.3581G>A (p.Gly1194Glu)

Gene: ANK3 (ankyrin 3; minus strand). Cytogenetic location: 10q21.2.
Variant type: single nucleotide variant.
Coding change: c.3581G>A on transcript NM_020987.5 (MANE Select); coding-DNA position 3581, G replaced by A.
Protein change: p.Gly1194Glu; replaces glycine 1194 with glutamic acid.
Molecular consequence: missense variant.
Genome position (GRCh38, 1-based): chr10:60,086,844, C>T on the plus strand (G>A on the coding strand, the complement: ANK3 is on the minus strand). VCF-style: chr10-60086844-C-T. GRCh37 (hg19) VCF-style: chr10-61846602-C-T.
Other names: c.3581G>A (NM_020987.4, NM_020987.3); c.983G>A, p.Gly328Glu (NM_001149.4); c.3563G>A, p.Gly1188Glu (NM_001204403.2); c.3584G>A, p.Gly1195Glu (NM_001204404.2); c.3581G>A, p.Gly1194Glu (NM_001320874.2); short protein forms G1188E, G1195E, G1194E, G328E.
Identifiers: ClinVar variation 1903276 (VCV001903276.7), dbSNP rs780524754, ClinGen allele CA5512441.
Genomic context (GRCh38, chr10:60,086,844, plus strand): 5'-TTATGGAATTTCCGTCTTCTTGGTTCCACAGTGACAATTGGGCTAAAAGTTGCTTTGTTT[C>T]CAAGGATCTTTTTCACAATTTCATCTGGAACAGGCTGGGCCTAGAGACAGAGAAAGGACT-3'
Protein context (NP_066267.2, residues 1184-1204): VPDEIVKKIL[Gly1194Glu]NKATFSPIVT

ClinVar aggregate classification (germline): Uncertain significance. Review status: criteria provided, multiple submitters, no conflicts (2 of 4 stars). 3 submissions from 3 submitters: Uncertain significance (3). Last evaluated 2025-11-24.

Conditions:
ANK3-related disorder. Also called: ANK3-related condition.

Allele frequency attached by ClinVar (database versions not stated): gnomAD 0.00001; gnomAD exomes 0.00003; TOPMed 0.00004; ExAC 0.00015.
gnomAD v4.1: 39 of 1,613,180 alleles (0.0024%); highest among the groups gnomAD compares: Admixed American, 0.043%; no homozygotes.

Submissions (3):

Labcorp Genetics (formerly Invitae), Labcorp
Classification: Uncertain significance. Last evaluated: 2025-11-24. Review status: criteria provided, single submitter. Criteria: Invitae Variant Classification Sherloc (09022015). Collection method: clinical testing. Allele origin: germline.
Comment: This sequence change replaces glycine, which is neutral and non-polar, with glutamic acid, which is acidic and polar, at codon 1194 of the ANK3 protein (p.Gly1194Glu). This variant is present in population databases (rs780524754, gnomAD 0.08%). This variant has not been reported in the literature in individuals affected with ANK3-related conditions. ClinVar contains an entry for this variant (Variation ID: 1903276). Invitae Evidence Modeling of protein sequence and biophysical properties (such as structural, functional, and spatial information, amino acid conservation, physicochemical variation, residue mobility, and thermodynamic stability) indicates that this missense variant is not expected to disrupt ANK3 protein function with a negative predictive value of 80%. In summary, the available evidence is currently insufficient to determine the role of this variant in disease. Therefore, it has been classified as a Variant of Uncertain Significance.

PreventionGenetics, part of Exact Sciences
Classification: Uncertain significance for ANK3-related condition. Last evaluated: 2023-01-18. Review status: criteria provided, single submitter. Criteria: ACMG Guidelines, 2015. Collection method: clinical testing. Allele origin: germline.
Comment: The ANK3 c.3581G>A variant is predicted to result in the amino acid substitution p.Gly1194Glu. To our knowledge, this variant has not been reported in the literature. This variant is reported in 0.079% of alleles in individuals of Latino descent in gnomAD. Although we suspect that this variant may be benign, at this time, the clinical significance of this variant is uncertain due to the absence of conclusive functional and genetic evidence.

GeneDx
Classification: Uncertain significance. Last evaluated: 2022-12-27. Review status: criteria provided, single submitter. Criteria: GeneDx Variant Classification Process June 2021. Collection method: clinical testing. Allele origin: germline. Affected: yes.
Comment: In silico analysis supports that this missense variant has a deleterious effect on protein structure/function; Has not been previously published as pathogenic or benign to our knowledge; Variants in candidate genes are classified as variants of uncertain significance in accordance with ACMG guidelines (Richards et al., 2015)